The following is an entry in ClinVar:

NM_004629.2(FANCG):c.325C>A (p.Gln109Lys)

Gene: FANCG (FA complementation group G; minus strand). Cytogenetic location: 9p13.3.
Variant type: single nucleotide variant.
Coding change: c.325C>A on transcript NM_004629.2 (MANE Select); coding-DNA position 325, C replaced by A.
Protein change: p.Gln109Lys; replaces glutamine 109 with lysine.
Molecular consequence: missense variant.
Genome position (GRCh38, 1-based): chr9:35,078,326, G>T on the plus strand (C>A on the coding strand, the complement: FANCG is on the minus strand). VCF-style: chr9-35078326-G-T. GRCh37 (hg19) VCF-style: chr9-35078323-G-T.
Other names: short protein forms Q109K.
Identifiers: ClinVar variation 5036530 (VCV005036530.1).

ClinVar aggregate classification (germline): Uncertain significance (1 of 4 stars; one submission).

Conditions:
Inborn genetic diseases. Identifiers: MedGen C0950123, MeSH D030342.

gnomAD v4.1: 2 of 1,613,566 alleles (0.00012%); highest among the groups gnomAD compares: Admixed American, 0.0017%; no homozygotes.

Submission:

Ambry Genetics
Classification: Uncertain significance for Inborn genetic diseases. Last evaluated: 2026-08-12. Review status: criteria provided, single submitter. Criteria: Ambry Variant Classification Scheme 2023. Collection method: clinical testing. Allele origin: germline.
Comment: The p.Q109K variant (also known as c.325C>A), located in coding exon 4 of the FANCG gene, results from a C to A substitution at nucleotide position 325. The glutamine at codon 109 is replaced by lysine, an amino acid with similar properties. This amino acid position is conserved. In addition, this alteration is predicted to be tolerated by in silico analysis. Based on the available evidence, the clinical significance of this variant remains unclear.